The following is an entry in ClinVar:

ClinVar aggregate classification (germline): Uncertain significance (1 of 4 stars; one submission).

Allele frequency attached by ClinVar (database versions not stated): gnomAD exomes below 0.00001.

Submission:

Labcorp Genetics (formerly Invitae), Labcorp
Classification: Uncertain significance. Last evaluated: 2022-02-23. Review status: criteria provided, single submitter. Criteria: Invitae Variant Classification Sherloc (09022015). Collection method: clinical testing. Allele origin: germline.
Comment: This sequence change replaces tyrosine, which is neutral and polar, with cysteine, which is neutral and slightly polar, at codon 442 of the SNRNP200 protein (p.Tyr442Cys). This variant is not present in population databases (gnomAD no frequency). This variant has not been reported in the literature in individuals affected with SNRNP200-related conditions. ClinVar contains an entry for this variant (Variation ID: 862207). Algorithms developed to predict the effect of missense changes on protein structure and function are either unavailable or do not agree on the potential impact of this missense change (SIFT: "Deleterious"; PolyPhen-2: "Probably Damaging"; Align-GVGD: "Class C0"). In summary, the available evidence is currently insufficient to determine the role of this variant in disease. Therefore, it has been classified as a Variant of Uncertain Significance.

NM_014014.5(SNRNP200):c.1325A>G (p.Tyr442Cys)

Gene: SNRNP200 (small nuclear ribonucleoprotein U5 subunit 200; minus strand). Cytogenetic location: 2q11.2.
Variant type: single nucleotide variant.
Coding change: c.1325A>G on transcript NM_014014.5 (MANE Select); coding-DNA position 1325, A replaced by G.
Protein change: p.Tyr442Cys; replaces tyrosine 442 with cysteine.
Molecular consequence: missense variant.
Genome position (GRCh38, 1-based): chr2:96,297,415, T>C on the plus strand (A>G on the coding strand, the complement: SNRNP200 is on the minus strand). VCF-style: chr2-96297415-T-C. GRCh37 (hg19) VCF-style: chr2-96963153-T-C.
Other names: short protein forms Y442C.
Identifiers: ClinVar variation 862207 (VCV000862207.9), dbSNP rs2063923690, ClinGen allele CA347683195.